The following is an entry in ClinVar:

NM_007194.4(CHEK2):c.1576dup (p.Glu526fs)

Gene: CHEK2 (checkpoint kinase 2; minus strand). Cytogenetic location: 22q12.1.
Variant type: Duplication.
Coding change: c.1576dup on transcript NM_007194.4 (MANE Select); coding-DNA position 1576, one base duplicated (G; older notation c.1576dupG).
Protein change: p.Glu526fs; shifts the reading frame from glutamic acid 526.
Molecular consequence: frameshift variant.
Genome position (GRCh38, 1-based): chr22:28,687,953, C duplicated on the plus strand (G on the coding strand, the reverse complement: CHEK2 is on the minus strand); the first of 4 consecutive C bases (chr22:28,687,953-28,687,956); duplicating any one gives the same sequence. VCF-style (leftmost placement, unchanged base first): chr22-28687952-T-TC. GRCh37 (hg19) VCF-style: chr22-29083940-T-TC.
Other names: c.1705dup, p.Glu569fs (NM_001005735.3); c.913dup, p.Glu305fs (NM_001257387.3, NM_001437942.1); c.1375dup, p.Glu459fs (NM_001349956.3); c.1669dup, p.Glu557fs (NM_001438293.1); c.1618dup, p.Glu540fs (NM_001438294.1); c.1582dup, p.Glu528fs (NM_001438295.1); c.1489dup, p.Glu497fs (NM_145862.3); short protein forms E305fs, E459fs, E497fs, E540fs, E557fs, E526fs, E528fs, E569fs.
Identifiers: ClinVar variation 4761971 (VCV004761971.1).

ClinVar aggregate classification (germline): Uncertain significance (1 of 4 stars; one submission).

Conditions:
Familial cancer of breast. Also called: BREAST CANCER, FAMILIAL; Hereditary breast cancer; hereditary breast carcinoma. Identifiers: Orphanet 227535, MedGen C0346153, MONDO:0016419, OMIM 114480. Disease mechanism: loss of function.

Submission:

Labcorp Genetics (formerly Invitae), Labcorp
Classification: Uncertain significance for Familial cancer of breast. Last evaluated: 2025-11-05. Review status: criteria provided, single submitter. Criteria: Invitae Variant Classification Sherloc (09022015). Collection method: clinical testing. Allele origin: germline.
Comment: This sequence change is expected to alter the c-terminus of the CHEK2 protein (p.Glu526Glyfs*24). While this is not anticipated to result in nonsense mediated decay, it is expected to disrupt the last 18 amino acid(s) of the CHEK2 protein and extend the protein by 5 additional amino acid residues. This variant is not present in population databases (gnomAD no frequency). This variant has not been reported in the literature in individuals affected with CHEK2-related conditions. Experimental studies and prediction algorithms are not available or were not evaluated, and the functional significance of this variant is currently unknown. In summary, the available evidence is currently insufficient to determine the role of this variant in disease. Therefore, it has been classified as a Variant of Uncertain Significance.